The following is an entry in ClinVar:

ClinVar aggregate classification (germline): Uncertain significance (1 of 4 stars; one submission).

Conditions:
Hereditary cancer-predisposing syndrome. Also called: Hereditary Cancer Syndrome; Hereditary neoplastic syndrome; Neoplastic Syndromes, Hereditary; Tumor predisposition. Identifiers: Orphanet 140162, MedGen C0027672, MeSH D009386, MONDO:0015356.

Submission:

Ambry Genetics
Classification: Uncertain significance for Hereditary cancer-predisposing syndrome. Last evaluated: 2021-01-25. Review status: criteria provided, single submitter. Criteria: Ambry Variant Classification Scheme 2023. Collection method: clinical testing. Allele origin: germline.
Comment: The c.153_155delGCT variant (also known as p.L52del) is located in coding exon 2 of the DICER1 gene. This variant results from a GCT deletion at nucleotide positions 153 to 155, causing the in-frame deletion of a leucine at codon 52. This amino acid position is highly conserved in available vertebrate species. In addition, this alteration is predicted to be deleterious by in silico analysis (Choi Y et al. PLoS ONE. 2012; 7(10):e46688). Since supporting evidence is limited at this time, the clinical significance of this alteration remains unclear.

NM_177438.3(DICER1):c.153_155del (p.Leu52del)

Gene: DICER1 (dicer 1, ribonuclease III; minus strand). Cytogenetic location: 14q32.13.
Variant type: Deletion.
Coding change: c.153_155del on transcript NM_177438.3 (MANE Select); coding-DNA positions 153 to 155, 3 bases deleted (GCT; older notation c.153_155delGCT).
Protein change: p.Leu52del; deletes leucine 52.
Molecular consequence: inframe deletion. On other transcripts: inframe indel (2), 5 prime UTR variant (9), non-coding transcript variant (6).
Genome position (GRCh38, 1-based): chr14:95,132,667-95,132,669, AGC deleted on the plus strand (GCT on the coding strand, the reverse complement: DICER1 is on the minus strand); deleting any 3 consecutive bases within chr14:95,132,667-95,132,671 gives the same sequence; the c. name uses the placement nearest the transcript's 3' end. VCF-style (leftmost placement, unchanged base first): chr14-95132666-AAGC-A. GRCh37 (hg19) VCF-style: chr14-95599003-AAGC-A.
Other names: c.153_155del, p.Leu52del (NM_001195573.1, NM_001271282.3, NM_001291628.2 and 14 more transcripts); c.151_153delCTG, p.Leu52del (NM_001395681.1); c.-122_-120del (NM_001395686.1, NM_001395687.1, NM_001395688.1 and 4 more transcripts); c.-306_-304del (NM_001395691.1); c.-1416_-1414del (NM_001395697.1); c.153_155delGCT (NM_177438.2); short protein forms L52del.
Identifiers: ClinVar variation 1774603 (VCV001774603.2), dbSNP rs2543372521, ClinGen allele CA2580089085.
Genomic context (GRCh38, chr14:95,132,666, plus strand): 5'-AAATGTCTTCCCTGAGCCAGTGTTTAAACAGACGATGGTATTATGATCCAGAGCTGCTTC[AAGC>A]AGTTCAACCTAGAAACATGGTGAAAAAAAAGTTATGCACTTCTTACCTAAGTACAAAATT-3'